The following is an entry in ClinVar:

NM_177433.3(MAGED2):c.1120G>A (p.Val374Met)

Gene: MAGED2 (MAGE family member D2; plus strand). Cytogenetic location: Xp11.21.
Variant type: single nucleotide variant.
Coding change: c.1120G>A on transcript NM_177433.3 (MANE Select); coding-DNA position 1120, G replaced by A.
Protein change: p.Val374Met; replaces valine 374 with methionine.
Molecular consequence: missense variant.
Genome position (GRCh38, 1-based): chrX:54,812,979, G>A. VCF-style: chrX-54812979-G-A. GRCh37 (hg19) VCF-style: chrX-54839412-G-A.
Other names: c.1120G>A, p.Val374Met (NM_014599.6, NM_201222.3); short protein forms V374M.
Identifiers: ClinVar variation 4075625 (VCV004075625.1).

ClinVar aggregate classification (germline): Uncertain significance (1 of 4 stars; one submission).

Submission:

GeneDx
Classification: Uncertain significance. Last evaluated: 2025-02-12. Review status: criteria provided, single submitter. Criteria: GeneDx Variant Classification Process June 2021. Collection method: clinical testing. Allele origin: germline. Affected: yes.
Comment: Not observed at significant frequency in large population cohorts (gnomAD); In silico analysis supports that this missense variant has a deleterious effect on protein structure/function; Has not been previously published as pathogenic or benign to our knowledge